The following is an entry in ClinVar:

ClinVar aggregate classification (germline): Uncertain significance (1 of 4 stars; one submission).

Conditions:
Inborn genetic diseases. Identifiers: MedGen C0950123, MeSH D030342.

Submission:

Ambry Genetics
Classification: Uncertain significance for Inborn genetic diseases. Last evaluated: 2025-07-19. Review status: criteria provided, single submitter. Criteria: Ambry Variant Classification Scheme 2023. Collection method: clinical testing. Allele origin: germline.
Comment: The p.T112A variant (also known as c.334A>G), located in coding exon 3 of the BMPR2 gene, results from an A to G substitution at nucleotide position 334. The threonine at codon 112 is replaced by alanine, an amino acid with similar properties. This amino acid position is conserved. In addition, this alteration is predicted to be deleterious by in silico analysis. Based on the available evidence, the clinical significance of this variant remains unclear.

NM_001204.7(BMPR2):c.334A>G (p.Thr112Ala)

Gene: BMPR2 (bone morphogenetic protein receptor type 2; plus strand). Cytogenetic location: 2q33.1.
Variant type: single nucleotide variant.
Coding change: c.334A>G on transcript NM_001204.7 (MANE Select); coding-DNA position 334, A replaced by G.
Protein change: p.Thr112Ala; replaces threonine 112 with alanine.
Molecular consequence: missense variant.
Genome position (GRCh38, 1-based): chr2:202,467,605, A>G. VCF-style: chr2-202467605-A-G. GRCh37 (hg19) VCF-style: chr2-203332328-A-G.
Other names: short protein forms T112A.
Identifiers: ClinVar variation 4214458 (VCV004214458.1).